The following is an entry in ClinVar:

ClinVar aggregate classification (germline): Uncertain significance (1 of 4 stars; one submission).

gnomAD v4.1: 20 of 1,612,070 alleles (0.0012%); highest among the groups gnomAD compares: Non-Finnish European, 0.0017%; no homozygotes.

Submission:

GeneDx
Classification: Uncertain significance. Last evaluated: 2026-03-12. Review status: criteria provided, single submitter. Criteria: GeneDx Variant Classification Process June 2021. Collection method: clinical testing. Allele origin: germline.
Comment: Not observed at significant frequency in large population cohorts (gnomAD); Canonical splice site variant with an unclear effect on protein function; Has not been previously published as pathogenic or benign to our knowledge

NM_014846.4(WASHC5):c.2199+1G>A

Gene: WASHC5 (WASH complex subunit 5; minus strand). Cytogenetic location: 8q24.13.
Variant type: single nucleotide variant.
Coding change: c.2199+1G>A on transcript NM_014846.4 (MANE Select); the canonical splice donor site of the intron after coding-DNA position 2199, G replaced by A.
Molecular consequence: splice donor variant.
Genome position (GRCh38, 1-based): chr8:125,050,563, C>T on the plus strand (G>A on the coding strand, the complement: WASHC5 is on the minus strand). VCF-style: chr8-125050563-C-T. GRCh37 (hg19) VCF-style: chr8-126062805-C-T.
Other names: c.1755+1G>A (NM_001330609.2).
Identifiers: ClinVar variation 4976615 (VCV004976615.1).